The following is an entry in ClinVar:

ClinVar aggregate classification (germline): Benign/Likely benign. Review status: criteria provided, multiple submitters, no conflicts (2 of 4 stars). 6 submissions from 6 submitters: Benign (4); Likely benign (2). Last evaluated 2026-07-01.

Conditions:
AHDC1-related intellectual disability - obstructive sleep apnea - mild dysmorphism syndrome. Also called: Xia-Gibbs syndrome. Identifiers: Orphanet 412069, MedGen C4014419, MONDO:0014358, OMIM 615829.

Allele frequency attached by ClinVar (database versions not stated): 1000 Genomes Project 0.00220; 1000 Genomes Project 30x 0.00234; gnomAD exomes 0.00392 and 0.00620; ExAC 0.00393; gnomAD 0.00401 and 0.00407; TOPMed 0.00404; ESP Exome Variant Server 0.00461.
gnomAD v4.1: 9,310 of 1,552,134 alleles (0.6%); highest among the groups gnomAD compares: Non-Finnish European, 0.68%; 45 homozygotes.

Submissions (6):

CeGaT Center for Human Genetics Tuebingen
Classification: Likely benign. Last evaluated: 2026-07-01. Review status: criteria provided, single submitter. Criteria: CeGaT Center For Human Genetics Tuebingen Variant Classification Criteria Version 2. Collection method: clinical testing. Allele origin: germline. Affected: yes. Observed: 36 variant alleles.
Comment: AHDC1: BP4, BP7, BS2

Labcorp Genetics (formerly Invitae), Labcorp
Classification: Benign. Last evaluated: 2026-01-26. Review status: criteria provided, single submitter. Criteria: Invitae Variant Classification Sherloc (09022015). Collection method: clinical testing. Allele origin: germline.

Blueprint Genetics
Classification: Likely benign. Last evaluated: 2024-11-26. Review status: criteria provided, single submitter. Criteria: ACMG Guidelines, 2015. Collection method: clinical testing. Allele origin: germline.

Genome-Nilou Lab
Classification: Benign for AHDC1-related intellectual disability - obstructive sleep apnea - mild dysmorphism syndrome. Last evaluated: 2021-12-05. Review status: criteria provided, single submitter. Criteria: ACMG Guidelines, 2015. Collection method: clinical testing. Allele origin: germline. Affected: no.

GeneDx
Classification: Benign. Last evaluated: 2018-08-21. Review status: criteria provided, single submitter. Criteria: GeneDx Variant Classification Process June 2021. Collection method: clinical testing. Allele origin: germline. Affected: yes.

Breakthrough Genomics
Classification: Benign. Review status: criteria provided, single submitter. Criteria: ACMG Guidelines, 2015. Collection method: not provided. Allele origin: germline. Inheritance: Autosomal dominant inheritance. Affected: yes.

NM_001371928.1(AHDC1):c.4782C>T (p.Pro1594=)

Gene: AHDC1 (AT-hook DNA binding motif containing 1; minus strand). Cytogenetic location: 1p36.11.
Variant type: single nucleotide variant.
Coding change: c.4782C>T on transcript NM_001371928.1 (MANE Select); coding-DNA position 4782, C replaced by T.
Protein change: p.Pro1594=; no amino-acid change (proline 1594 retained).
Molecular consequence: synonymous variant.
Genome position (GRCh38, 1-based): chr1:27,547,334, G>A on the plus strand (C>T on the coding strand, the complement: AHDC1 is on the minus strand). VCF-style: chr1-27547334-G-A. GRCh37 (hg19) VCF-style: chr1-27873845-G-A.
Other names: c.4782C>T, p.Pro1594= (NM_001029882.3); c.4782C>T (NM_001029882.2).
Identifiers: ClinVar variation 783928 (VCV000783928.47), dbSNP rs61742782, ClinGen allele CA715276.